The following is an entry in ClinVar:

NM_030928.4(CDT1):c.364G>A (p.Glu122Lys)

Gene: CDT1 (chromatin licensing and DNA replication factor 1; plus strand). Cytogenetic location: 16q24.3.
Variant type: single nucleotide variant.
Coding change: c.364G>A on transcript NM_030928.4 (MANE Select); coding-DNA position 364, G replaced by A.
Protein change: p.Glu122Lys; replaces glutamic acid 122 with lysine.
Molecular consequence: missense variant.
Genome position (GRCh38, 1-based): chr16:88,804,774, G>A. VCF-style: chr16-88804774-G-A. GRCh37 (hg19) VCF-style: chr16-88871182-G-A.
Other names: short protein forms E122K.
Identifiers: ClinVar variation 1416636 (VCV001416636.6), dbSNP rs1197526229, ClinGen allele CA397072752.
Genomic context (GRCh38, chr16:88,804,774, plus strand): 5'-GGCCTGCCTGCCTGCCTGACGGCACCGTGTCCCCTGATCCCCCTGAAGGACACCATCTCT[G>A]AGCTTGCGTCATGCCTGCAACGGGCCCGGGAGCTGGGGGCAAGAGTCCGGGCGCTGAAGG-3'
Protein context (NP_112190.2, residues 112-132): TSAQDQDTIS[Glu122Lys]LASCLQRARE

ClinVar aggregate classification (germline): Uncertain significance (1 of 4 stars; one submission).

Submission:

Labcorp Genetics (formerly Invitae), Labcorp
Classification: Uncertain significance. Last evaluated: 2022-06-20. Review status: criteria provided, single submitter. Criteria: Invitae Variant Classification Sherloc (09022015). Collection method: clinical testing. Allele origin: germline.
Comment: This sequence change replaces glutamic acid, which is acidic and polar, with lysine, which is basic and polar, at codon 122 of the CDT1 protein (p.Glu122Lys). This variant is not present in population databases (gnomAD no frequency). This variant has not been reported in the literature in individuals affected with CDT1-related conditions. Algorithms developed to predict the effect of missense changes on protein structure and function are either unavailable or do not agree on the potential impact of this missense change (SIFT: "Tolerated"; PolyPhen-2: "Probably Damaging"; Align-GVGD: "Class C0"). In summary, the available evidence is currently insufficient to determine the role of this variant in disease. Therefore, it has been classified as a Variant of Uncertain Significance.